The following is an entry in ClinVar:

NM_004855.5(PIGB):c.1105T>C (p.Phe369Leu)

Gene: PIGB (phosphatidylinositol glycan anchor biosynthesis class B; plus strand). Cytogenetic location: 15q21.3.
Variant type: single nucleotide variant.
Coding change: c.1105T>C on transcript NM_004855.5 (MANE Select); coding-DNA position 1105, T replaced by C.
Protein change: p.Phe369Leu; replaces phenylalanine 369 with leucine.
Molecular consequence: missense variant.
Genome position (GRCh38, 1-based): chr15:55,341,784, T>C. VCF-style: chr15-55341784-T-C. GRCh37 (hg19) VCF-style: chr15-55633982-T-C.
Other names: short protein forms F369L.
Identifiers: ClinVar variation 2019187 (VCV002019187.4), dbSNP rs2543121797, ClinGen allele CA392543342.
Genomic context (GRCh38, chr15:55,341,784, plus strand): 5'-TGTTTTTATTACAGCATGTTGAGCCACAAAGAATTCAGGTTTATTTATCCAGTTTTACCA[T>C]TCTGTATGGTGTTCTGTGGTAAGTGCTTTTGTTTGTTATAGAAAATAAATTATATAGAAA-3'
Protein context (NP_004846.4, residues 359-379): EFRFIYPVLP[Phe369Leu]CMVFCGYSLT

ClinVar aggregate classification (germline): Uncertain significance (1 of 4 stars; one submission).

Allele frequency attached by ClinVar (database versions not stated): gnomAD exomes below 0.00001.
gnomAD v4.1: 2 of 1,460,510 alleles (0.00014%); highest among the groups gnomAD compares: Non-Finnish European, 0.000092%; no homozygotes.

Submission:

Labcorp Genetics (formerly Invitae), Labcorp
Classification: Uncertain significance. Last evaluated: 2022-07-23. Review status: criteria provided, single submitter. Criteria: Invitae Variant Classification Sherloc (09022015). Collection method: clinical testing. Allele origin: germline.
Comment: Algorithms developed to predict the effect of missense changes on protein structure and function output the following: SIFT: "Tolerated"; PolyPhen-2: "Benign"; Align-GVGD: "Class C0". The leucine amino acid residue is found in multiple mammalian species, which suggests that this missense change does not adversely affect protein function. In summary, the available evidence is currently insufficient to determine the role of this variant in disease. Therefore, it has been classified as a Variant of Uncertain Significance. This variant has not been reported in the literature in individuals affected with PIGB-related conditions. This variant is not present in population databases (gnomAD no frequency). This sequence change replaces phenylalanine, which is neutral and non-polar, with leucine, which is neutral and non-polar, at codon 369 of the PIGB protein (p.Phe369Leu).